The following continues an entry in ClinVar:

NM_000548.5(TSC2):c.3598C>T (p.Arg1200Trp)

Gene: TSC2. ClinVar aggregate classification (germline): Pathogenic. Pathogenic (26).

Submissions 9 to 21 of 28:

Myriad Genetics, Inc.
Classification: Pathogenic for Tuberous sclerosis 2. Last evaluated: 2024-02-21. Review status: criteria provided, single submitter. Criteria: Myriad Autosomal Dominant, Autosomal Recessive and X-Linked Classification Criteria (2023). Collection method: clinical testing. Allele origin: unknown.
Comment: This variant is considered pathogenic. This variant has been reported in multiple individuals with clinical features of gene-specific disease [PMID: 21332470, 25039834, 32917966, 9463313, 32461669]. This variant is expected to disrupt protein structure [Myriad internal data]. Functional studies indicate this variant impacts protein function [PMID: 27406250, 21332470].

Mayo Clinic Laboratories, Mayo Clinic
Classification: Pathogenic. Last evaluated: 2024-01-19. Review status: criteria provided, single submitter. Criteria: ACMG Guidelines, 2015. Collection method: clinical testing. Allele origin: germline. Observed: 2 variant alleles.
Comment: PP1_strong, PP3, PP4, PM5, PM6, PS3, PS4

GeneDx
Classification: Pathogenic. Last evaluated: 2023-04-14. Review status: criteria provided, single submitter. Criteria: GeneDx Variant Classification Process June 2021. Collection method: clinical testing. Allele origin: germline. Affected: yes.
Comment: Published functional studies demonstrate a damaging effect: destabilization of the TSC1-TSC2 complex and reduced inhibition of downstream targets (Hoogeveen-Westerveld et al., 2011; Wentink et al., 2012); While some individuals with this variant are reported to meet clinical diagnostic criteria for definite TSC, others have been reported to have a milder clinical presentation characterized primarily by the presence of skin findings with or without epilepsy (Wentink et al., 2012); In silico analysis supports that this missense variant has a deleterious effect on protein structure/function; This variant is associated with the following publications: (PMID: 17304050, 18792920, 28149746, 20301399, 29655203, 21309039, 15798777, 11112665, 8824881, 9463313, 28178598, 22867869, 27406250, 29056246, 29308833, 31005478, 32917966, 32005694, 21332470, 32211034)

Blueprint Genetics
Classification: Pathogenic for TSC2-related disorders. Last evaluated: 2023-03-29. Review status: criteria provided, single submitter. Criteria: ACMG Guidelines, 2015. Collection method: clinical testing. Allele origin: germline. Affected: yes. Observed: 4 variant alleles.

ARUP Laboratories, Molecular Genetics and Genomics, ARUP Laboratories
Classification: Pathogenic. Last evaluated: 2022-07-21. Review status: criteria provided, single submitter. Criteria: ARUP Molecular Germline Variant Investigation Process 2021. Collection method: clinical testing. Allele origin: germline.
Comment: The TSC2 c.3598C>T; p.Arg1200Trp variant (rs45438205) is reported in the literature in individuals and families affected with tuberous sclerosis (Altarescu 2008, Au 1998, van Eeghen 2013, Wentink 2012, Wilson 1996). This variant is also reported in ClinVar (Variation ID: 49770), but is only observed on one allele in the Genome Aggregation Database, indicating it is not a common polymorphism. The arginine at codon 1200 is highly conserved, and computational analyses predict that this variant is deleterious (REVEL: 0.892). Additionally, functional assays demonstrate reduced complex formation and downstream signaling (Hoogeveen-Westerveld 2011, Wentink 2012). Based on available information, this variant is considered to be pathogenic. References: Altarescu et al. PGD on a recombinant allele: crossover between the TSC2 gene and 'linked' markers impairs accurate diagnosis. Prenat Diagn. 2008 Oct;28(10):929-33. Au et al. Germ-line mutational analysis of the TSC2 gene in 90 tuberous-sclerosis patients. Am J Hum Genet. 1998 Feb;62(2):286-94. Hoogeveen-Westerveld et al. Functional assessment of variants in the TSC1 and TSC2 genes identified in individuals with Tuberous Sclerosis Complex. Hum Mutat. 2011 Apr;32(4):424-35. van Eeghen et al. Central TSC2 missense mutations are associated with a reduced risk of infantile spasms. Epilepsy Res. 2013 Jan;103(1):83-7. Wentink et al. Functional characterization of the TSC2 c.3598C>T (p.R1200W) missense mutation that co-segregates with tuberous sclerosis complex in mildly affected kindreds. Clin Genet. 2012 May;81(5):453-61. Wilson et al. Novel mutations detected in the TSC2 gene from both sporadic and familial TSC patients. Hum Mol Genet. 1996 Feb;5(2):249-56.

Women's Health and Genetics/Laboratory Corporation of America, LabCorp
Classification: Pathogenic for Tuberous sclerosis syndrome. Last evaluated: 2022-05-25. Review status: criteria provided, single submitter. Criteria: LabCorp Variant Classification Summary - May 2015. Collection method: clinical testing. Allele origin: germline.
Comment: Variant summary: TSC2 c.3598C>T (p.Arg1200Trp) results in a non-conservative amino acid change in the encoded protein sequence. Five of five in-silico tools predict a damaging effect of the variant on protein function. The variant was absent in 247756 control chromosomes. c.3598C>T has been reported in the literature in multiple individuals affected with Tuberous Sclerosis Complex, including de novo inheritance, and in families where the variant was shown to segregate with disease (eg. Wilson_1996, Milunsky_2009, Wentink_2011, etc). Functional studies have shown the variant to inactivate the TSC1TSC2 complex, without preventing TSC1TSC2 binding (Wentink_2011). Eight clinical diagnostic laboratories have submitted clinical-significance assessments for this variant to ClinVar after 2014 without evidence for independent evaluation. All laboratories classified the variant as pathogenic. Based on the evidence outlined above, the variant was classified as pathogenic.

Victorian Clinical Genetics Services, Murdoch Childrens Research Institute
Classification: Pathogenic for Tuberous sclerosis 2. Last evaluated: 2022-02-02. Review status: criteria provided, single submitter. Criteria: ACMG Guidelines, 2015. Collection method: clinical testing. Allele origin: germline. Inheritance: Autosomal dominant inheritance. Affected: yes.
Comment: Based on the classification scheme VCGS_Germline_v1.3.4, this variant is classified as Pathogenic. Following criteria are met: 0102 - Loss of function is a known mechanism of disease in this gene and is associated with tuberous sclerosis-2 (MIM#613254). (I) 0107 - This gene is associated with autosomal dominant disease. (I) 0115 - Variants in this gene are known to have variable expressivity. Clinical symptoms can be variable and subtle among affected individuals within the same family (PMIDs: 21332470, 31018109). (I) 0200 - Variant is predicted to result in a missense amino acid change from arginine to tryptophan. (I) 0251 - This variant is heterozygous. (I) 0302 - Variant is present in gnomAD <0.001 for a dominant condition (both v2 and v3 listed 1 heterozygote, 0 homozygotes). (SP) 0309 - An alternative amino acid change at the same position has been observed in gnomAD (v2) (1 heterozygote, 0 homozygotes). (I) 0501 - Missense variant consistently predicted to be damaging by multiple in silico tools or highly conserved with a major amino acid change. (SP) 0604 - Variant is not located in an established domain, motif, hotspot or informative constraint region. (I) 0801 - This variant has strong previous evidence of pathogenicity in unrelated individuals. It has been reported in many unrelated individuals with tuberous sclerosis complex, and is associated with the mild phenotype (mild skin lesions, remitting epilepsy, and absence of severe ID or major organ involvement) (PMIDs: 21332470, 30255984 and ClinVar). (SP) 1002 - This variant has moderate functional evidence supporting abnormal protein function. Functional studies using HEK cells showed the variant restricted the TSC1-TSC2-dependent inhibition of TORC1 activity (PMID: 21332470). (I) Legend: (SP) - Supporting pathogenic, (I) - Information, (SB) - Supporting benign

Fulgent Genetics
Classification: Pathogenic for Lymphangiomyomatosis; Isolated focal cortical dysplasia type II; Tuberous sclerosis 2. Last evaluated: 2022-02-01. Review status: criteria provided, single submitter. Criteria: ACMG Guidelines, 2015. Collection method: clinical testing. Allele origin: unknown.

Genome-Nilou Lab
Classification: Pathogenic for Tuberous sclerosis 2. Last evaluated: 2021-11-07. Review status: criteria provided, single submitter. Criteria: ACMG Guidelines, 2015. Collection method: clinical testing. Allele origin: germline. Affected: no.

Laboratory for Molecular Medicine, Mass General Brigham Personalized Medicine
Classification: Pathogenic for Tuberous sclerosis syndrome. Last evaluated: 2021-03-30. Review status: criteria provided, single submitter. Criteria: ACMG Guidelines, 2015. Collection method: clinical testing. Allele origin: germline. Inheritance: Autosomal dominant inheritance.
Comment: The p.Arg1200Trp variant in TSC2 (also described as p.Arg1199Trp in the literature) has been reported in >15 individuals with clinical features of tuberous sclerosis complex (TSC), including at least 1 de novo occurrence and segregated with TSC in >7 affected family members from multiple families and with clinical features of TSC in other families, suggesting a milder phenotype in these families (Wilson 1996 PMID: 8824881, Au 1998 PMID: 9463313, Altarescu 2008 PMID: 18792920, Wentik 2012 PMID: 21332470, van Eeghen 2013 PMID: 22867869, Jansen 2014 PMID: 25039834, Pannu 2017 PMID: 28149746, Ding 2020 PMID: 32211034). This variant has also been reported by other clinical laboratories in ClinVar (Variation ID: 49770) and had been identified in 0.006% (1/15418) of European chromosomes by gnomAD. In vitro functional studies provide some evidence that this variant may impact protein function (Wentik 2012 PMID: 21332470, Overwater 2016 PMID: 27406250) and computational prediction tools and conservation analyses are consistent with pathogenicity. In summary, this variant meets criteria to be classified as pathogenic for autosomal dominant TSC. ACMG/AMP Criteria applied: PS4_Strong, PP1_Strong, PM6, PS3_Supporting, PP3.

Division of Genomic Medicine, Department of Advanced Medicine, Medical Research Institute, Kanazawa Medical University
Classification: Pathogenic for Tuberous sclerosis 2. Last evaluated: 2020-07-10. Review status: criteria provided, single submitter. Criteria: ACMG Guidelines, 2015. Collection method: clinical testing. Allele origin: germline. Affected: yes. Observed: 3 variant alleles.

Center for Human Genetics, Inc
Classification: Pathogenic for Tuberous sclerosis 2. Last evaluated: 2016-11-01. Review status: criteria provided, single submitter. Criteria: ACMG Guidelines, 2015. Collection method: clinical testing. Allele origin: germline. Affected: yes.

Eurofins Ntd Llc (ga)
Classification: Pathogenic. Last evaluated: 2015-11-20. Review status: criteria provided, single submitter. Criteria: EGL Classification Definitions 2015. Collection method: clinical testing. Allele origin: germline. Observed: 1 variant allele, 1 heterozygote.